The following is an entry in ClinVar:

ClinVar aggregate classification (germline): Benign (0 of 4 stars; one submission).

Conditions:
UBR3-related disorder. Also called: UBR3-related condition.

Allele frequency attached by ClinVar (database versions not stated): 1000 Genomes Project 0.02716; 1000 Genomes Project 30x 0.02998; TOPMed 0.04227; gnomAD 0.04349; ESP Exome Variant Server 0.04604; ExAC 0.04692.
gnomAD v4.1: 78,345 of 1,546,878 alleles (5.1%); highest among the groups gnomAD compares: Non-Finnish European, 5.6%; 2,098 homozygotes.

Submission:

PreventionGenetics, part of Exact Sciences
Classification: Benign for UBR3-related condition. Last evaluated: 2019-12-24. Review status: no assertion criteria provided. Collection method: clinical testing. Allele origin: germline.
Comment: This variant is classified as benign based on ACMG/AMP sequence variant interpretation guidelines (Richards et al. 2015 PMID: 25741868, with internal and published modifications).

NM_172070.4(UBR3):c.1996C>T (p.Leu666=)

Gene: UBR3 (ubiquitin protein ligase E3 component n-recognin 3; plus strand). Cytogenetic location: 2q31.1.
Variant type: single nucleotide variant.
Coding change: c.1996C>T on transcript NM_172070.4 (MANE Select); coding-DNA position 1996, C replaced by T.
Protein change: p.Leu666=; no amino-acid change (leucine 666 retained).
Molecular consequence: synonymous variant.
Genome position (GRCh38, 1-based): chr2:169,924,147, C>T. VCF-style: chr2-169924147-C-T. GRCh37 (hg19) VCF-style: chr2-170780657-C-T.
Identifiers: ClinVar variation 3057181 (VCV003057181.2), dbSNP rs61744354, ClinGen allele CA1959905.